The following is an entry in ClinVar:

NM_020719.3(PRR12):c.5206C>G (p.Arg1736Gly)

Gene: PRR12 (proline rich 12; plus strand). Cytogenetic location: 19q13.33.
Variant type: single nucleotide variant.
Coding change: c.5206C>G on transcript NM_020719.3 (MANE Select); coding-DNA position 5206, C replaced by G.
Protein change: p.Arg1736Gly; replaces arginine 1736 with glycine.
Molecular consequence: missense variant.
Genome position (GRCh38, 1-based): chr19:49,615,928, C>G. VCF-style: chr19-49615928-C-G. GRCh37 (hg19) VCF-style: chr19-50119185-C-G.
Other names: c.5206C>G (NM_020719.1); short protein forms R1736G.
Identifiers: ClinVar variation 713923 (VCV000713923.8), dbSNP rs200319638, ClinGen allele CA9578648.
Genomic context (GRCh38, chr19:49,615,928, plus strand): 5'-GAGCAGACTCCTGAGACGGCCATGCCTGAGCCCCCTGCCCCCGAGAAGCCCTCCCTCCTG[C>G]GGCCTGTTGAGAAGGAAAAGGAGAAGGAGAAGGTGACACGTGGAGAGCGGCCATTGCGGG-3'
Protein context (NP_065770.1, residues 1726-1746): PPAPEKPSLL[Arg1736Gly]PVEKEKEKEK

ClinVar aggregate classification (germline): Likely benign. Review status: criteria provided, multiple submitters, no conflicts (2 of 4 stars). 3 submissions from 3 submitters: Likely benign (2). 1 of the submissions does not count toward it. Last evaluated 2022-09-02.

Conditions:
PRR12-related disorder. Also called: PRR12-related condition.
Inborn genetic diseases. Identifiers: MedGen C0950123, MeSH D030342.

Allele frequency attached by ClinVar (database versions not stated): TOPMed 0.00033.
gnomAD v4.1: 774 of 1,556,692 alleles (0.05%); highest among the groups gnomAD compares: South Asian, 0.079%; 4 homozygotes.

Submissions (3):

Ambry Genetics
Classification: Likely benign for Inborn genetic diseases. Last evaluated: 2022-09-02. Review status: criteria provided, single submitter. Criteria: Ambry Variant Classification Scheme 2023. Collection method: clinical testing. Allele origin: germline.

Labcorp Genetics (formerly Invitae), Labcorp
Classification: Likely benign. Last evaluated: 2019-12-31. Review status: criteria provided, single submitter. Criteria: Invitae Variant Classification Sherloc (09022015). Collection method: clinical testing. Allele origin: germline.

PreventionGenetics, part of Exact Sciences
Classification: Likely benign for PRR12-related condition. Last evaluated: 2022-01-25. Review status: no assertion criteria provided. Collection method: clinical testing. Allele origin: germline. Not counted in ClinVar's aggregate classification.
Comment: This variant is classified as likely benign based on ACMG/AMP sequence variant interpretation guidelines (Richards et al. 2015 PMID: 25741868, with internal and published modifications).